The following is an entry in ClinVar:

ClinVar aggregate classification (germline): Benign. Review status: criteria provided, multiple submitters, no conflicts (2 of 4 stars). 2 submissions from 2 submitters: Benign (2). Last evaluated 2018-06-14.

Allele frequency attached by ClinVar (database versions not stated): 1000 Genomes Project 30x 0.08604; TOPMed 0.08938; 1000 Genomes Project 0.09145; gnomAD 0.10273 and 0.10529; gnomAD exomes 0.13571.
gnomAD v4.1: 79,571 of 622,700 alleles (13%); highest among the groups gnomAD compares: South Asian, 17%; 5,774 homozygotes.

Submissions (2):

GeneDx
Classification: Benign. Last evaluated: 2018-06-14. Review status: criteria provided, single submitter. Criteria: GeneDx Variant Classification (06012015). Collection method: clinical testing. Allele origin: germline. Affected: yes.
Comment: This variant is considered likely benign or benign based on one or more of the following criteria: it is a conservative change, it occurs at a poorly conserved position in the protein, it is predicted to be benign by multiple in silico algorithms, and/or has population frequency not consistent with disease.

Breakthrough Genomics
Classification: Benign. Review status: criteria provided, single submitter. Criteria: ACMG Guidelines, 2015. Collection method: not provided. Allele origin: germline. Inheritance: Autosomal recessive inheritance. Affected: yes.

NM_000026.4(ADSL):c.357+173C>T

Gene: ADSL (adenylosuccinate lyase; plus strand). Cytogenetic location: 22q13.1.
Variant type: single nucleotide variant.
Coding change: c.357+173C>T on transcript NM_000026.4 (MANE Select); 173 bases into the intron after coding-DNA position 357, C replaced by T.
Molecular consequence: intron variant.
Genome position (GRCh38, 1-based): chr22:40,350,208, C>T. VCF-style: chr22-40350208-C-T. GRCh37 (hg19) VCF-style: chr22-40746212-C-T.
Other names: c.357+173C>T (NM_001363840.3, NM_001123378.3); c.165+173C>T (NM_001317923.2).
Identifiers: ClinVar variation 678101 (VCV000678101.2), dbSNP rs8192456, ClinGen allele CA14927923.